The following is an entry in ClinVar:

ClinVar aggregate classification (germline): Uncertain significance. Review status: criteria provided, multiple submitters, no conflicts (2 of 4 stars). 2 submissions from 2 submitters: Uncertain significance (2). Last evaluated 2025-10-09.

Conditions:
Glycogen storage disease, type II (IOPD). Also called: CARDIOMEGALIA GLYCOGENICA DIFFUSA; GLYCOGENOSIS, GENERALIZED, CARDIAC FORM; GSD II; POMPE DISEASE, INFANTILE-ONSET; GLYCOGEN STORAGE DISEASE II, INFANTILE-ONSET; ACID ALPHA-GLUCOSIDASE DEFICIENCY, INFANTILE-ONSET. Identifiers: Orphanet 365, MedGen C0017921, MONDO:0009290, OMIM 232300.

Submissions (2):

Labcorp Genetics (formerly Invitae), Labcorp
Classification: Uncertain significance for Glycogen storage disease, type II. Last evaluated: 2025-10-09. Review status: criteria provided, single submitter. Criteria: Invitae Variant Classification Sherloc (09022015). Collection method: clinical testing. Allele origin: germline.
Comment: This sequence change replaces serine, which is neutral and polar, with tryptophan, which is neutral and slightly polar, at codon 251 of the GAA protein (p.Ser251Trp). This variant is not present in population databases (gnomAD no frequency). This missense change has been observed in individual(s) with limb–girdle muscular weakness (PMID: 39678382). ClinVar contains an entry for this variant (Variation ID: 1801114). Invitae Evidence Modeling of protein sequence and biophysical properties (such as structural, functional, and spatial information, amino acid conservation, physicochemical variation, residue mobility, and thermodynamic stability) has been performed for this missense variant. However, the output from this modeling did not meet the statistical confidence thresholds required to predict the impact of this variant on GAA protein function. In summary, the available evidence is currently insufficient to determine the role of this variant in disease. Therefore, it has been classified as a Variant of Uncertain Significance.

GeneDx
Classification: Uncertain significance. Last evaluated: 2022-05-24. Review status: criteria provided, single submitter. Criteria: GeneDx Variant Classification Process June 2021. Collection method: clinical testing. Allele origin: germline. Affected: yes.
Comment: Not observed at significant frequency in large population cohorts (gnomAD); In silico analysis supports that this missense variant has a deleterious effect on protein structure/function; Has not been previously published as pathogenic or benign to our knowledge

Literature cited by the submitters: PubMed 39678382 (cited by Labcorp Genetics (formerly Invitae), Labcorp).

NM_000152.5(GAA):c.752C>G (p.Ser251Trp)

Gene: GAA (alpha glucosidase; plus strand). Cytogenetic location: 17q25.3.
Variant type: single nucleotide variant.
Coding change: c.752C>G on transcript NM_000152.5 (MANE Select); coding-DNA position 752, C replaced by G.
Protein change: p.Ser251Trp; replaces serine 251 with tryptophan.
Molecular consequence: missense variant.
Genome position (GRCh38, 1-based): chr17:80,107,616, C>G. VCF-style: chr17-80107616-C-G. GRCh37 (hg19) VCF-style: chr17-78081415-C-G.
Other names: c.752C>G, p.Ser251Trp (NM_001079803.3, NM_001079804.3, NM_001406741.1 and 1 more transcripts); short protein forms S251W.
Identifiers: ClinVar variation 1801114 (VCV001801114.4), dbSNP rs200856561, ClinGen allele CA401363312.